The following is an entry in ClinVar:

NM_001282531.3(ADNP):c.3057G>T (p.Met1019Ile)

Gene: ADNP (activity dependent neuroprotector homeobox; minus strand). Cytogenetic location: 20q13.13.
Variant type: single nucleotide variant.
Coding change: c.3057G>T on transcript NM_001282531.3 (MANE Select); coding-DNA position 3057, G replaced by T.
Protein change: p.Met1019Ile; replaces methionine 1019 with isoleucine.
Molecular consequence: missense variant.
Genome position (GRCh38, 1-based): chr20:50,891,657, C>A on the plus strand (G>T on the coding strand, the complement: ADNP is on the minus strand). VCF-style: chr20-50891657-C-A. GRCh37 (hg19) VCF-style: chr20-49508194-C-A.
Other names: c.3057G>T, p.Met1019Ile (NM_001282532.2, NM_001347511.2, NM_015339.5 and 1 more transcripts); short protein forms M1019I.
Identifiers: ClinVar variation 2834302 (VCV002834302.3), dbSNP rs2515573513, ClinGen allele CA408967192.
Genomic context (GRCh38, chr20:50,891,657, plus strand): 5'-AAACCCTTCAACTTTTCCATAGGAACTATTCTTCCATTTCAACTGCTCTCTGTCACCTTG[C>A]ATGGTAGCCTTTTTTTTGGCAGCTGGCTTACTGCTCCTTGCATCTTCGCTTTGGGAAGAC-3'
Protein context (NP_001269460.1, residues 1009-1029): SKPAAKKKAT[Met1019Ile]QGDREQLKWK

ClinVar aggregate classification (germline): Uncertain significance (1 of 4 stars; one submission).

Submission:

Labcorp Genetics (formerly Invitae), Labcorp
Classification: Uncertain significance. Last evaluated: 2023-02-03. Review status: criteria provided, single submitter. Criteria: Invitae Variant Classification Sherloc (09022015). Collection method: clinical testing. Allele origin: germline.
Comment: In summary, the available evidence is currently insufficient to determine the role of this variant in disease. Therefore, it has been classified as a Variant of Uncertain Significance. An algorithm developed to predict the effect of missense changes on protein structure and function (PolyPhen-2) suggests that this variant is likely to be tolerated. This variant has not been reported in the literature in individuals affected with ADNP-related conditions. This variant is not present in population databases (gnomAD no frequency). This sequence change replaces methionine, which is neutral and non-polar, with isoleucine, which is neutral and non-polar, at codon 1019 of the ADNP protein (p.Met1019Ile).